The following is an entry in ClinVar:

NM_017934.7(PHIP):c.3982T>C (p.Leu1328=)

Genes: IRAK1BP1 (interleukin 1 receptor associated kinase 1 binding protein 1; plus strand), PHIP (PHIP subunit of CUL4-Ring ligase complex; minus strand). Cytogenetic location: 6q14.1.
Variant type: single nucleotide variant.
Coding change: c.3982T>C on transcript NM_017934.7 (MANE Select); coding-DNA position 3982, T replaced by C.
Protein change: p.Leu1328=; no amino-acid change (leucine 1328 retained).
Molecular consequence: synonymous variant.
Genome position (GRCh38, 1-based): chr6:78,954,885, A>G on the plus strand (T>C on the coding strand, the complement: PHIP is on the minus strand). VCF-style: chr6-78954885-A-G. GRCh37 (hg19) VCF-style: chr6-79664602-A-G.
Identifiers: ClinVar variation 4993014 (VCV004993014.1).

ClinVar aggregate classification (germline): Likely benign (1 of 4 stars; one submission).

Conditions:
PHIP-related disorder. Also called: PHIP-related disorders; PHIP-related condition.

gnomAD v4.1: 2 of 1,587,372 alleles (0.00013%); highest among the groups gnomAD compares: African/African-American, 0.0027%; no homozygotes.

Submission:

PreventionGenetics, part of Exact Sciences
Classification: Likely benign for PHIP-related condition. Last evaluated: 2025-11-23. Review status: criteria provided, single submitter. Criteria: ACMG Guidelines, 2015. Collection method: clinical testing. Allele origin: germline.
Comment: This variant is classified as likely benign based on ACMG/AMP sequence variant interpretation guidelines (Richards et al. 2015 PMID: 25741868, with internal and published modifications).